The following is an entry in ClinVar:

ClinVar aggregate classification (germline): Uncertain significance (1 of 4 stars; one submission).

Allele frequency attached by ClinVar (database versions not stated): ExAC 0.00001; ESP Exome Variant Server 0.00008.

Submission:

Ambry Genetics
Classification: Uncertain significance. Last evaluated: 2022-02-18. Review status: criteria provided, single submitter. Criteria: Ambry Variant Classification Scheme 2023. Collection method: clinical testing. Allele origin: germline.
Comment: The p.L704V variant (also known as c.2110C>G), located in coding exon 14 of the RINT1 gene, results from a C to G substitution at nucleotide position 2110. The leucine at codon 704 is replaced by valine, an amino acid with highly similar properties. This amino acid position is conserved. In addition, the in silico prediction for this alteration is inconclusive. Since supporting evidence is limited at this time, the clinical significance of this alteration remains unclear.

NM_021930.6(RINT1):c.2110C>G (p.Leu704Val)

Genes: EFCAB10 (EF-hand calcium binding domain 10; minus strand), RINT1 (RAD50 interactor 1; plus strand). Cytogenetic location: 7q22.3.
Variant type: single nucleotide variant.
Coding change: c.2110C>G on transcript NM_021930.6 (MANE Select); coding-DNA position 2110, C replaced by G.
Protein change: p.Leu704Val; replaces leucine 704 with valine.
Molecular consequence: missense variant. On other transcripts: non-coding transcript variant (1), intron variant (2).
Genome position (GRCh38, 1-based): chr7:105,565,572, C>G. VCF-style: chr7-105565572-C-G. GRCh37 (hg19) VCF-style: chr7-105206019-C-G.
Other names: c.427G>C, p.Ala143Pro (NM_001355530.2); c.1876C>G, p.Leu626Val (NM_001346599.2); c.1087C>G, p.Leu363Val (NM_001346600.2, NM_001346603.2); c.1186C>G, p.Leu396Val (NM_001346601.2); c.360-125G>C (NM_001355531.2); c.384-125G>C (NM_001355526.2); short protein forms A143P, L704V, L396V, L626V, L363V.
Identifiers: ClinVar variation 1786102 (VCV001786102.2), dbSNP rs145856362, ClinGen allele CA4426871.
Genomic context (GRCh38, chr7:105,565,572, plus strand): 5'-AATTATTCTTTGTTTCAGATAATTCTTGCTAATCACTTCAATGAAGGAGGAGCAGCCCAG[C>G]TGCAGTTTGATATGACTCGGAATCTTTTCCCTTTGTTTTCTCACTATTGCAAGAGACCAG-3'
Protein context (NP_068749.3, residues 694-714): NHFNEGGAAQ[Leu704Val]QFDMTRNLFP